The following is an entry in ClinVar:

ClinVar aggregate classification (germline): Uncertain significance (1 of 4 stars; one submission).

Submission:

Labcorp Genetics (formerly Invitae), Labcorp
Classification: Uncertain significance. Last evaluated: 2023-08-02. Review status: criteria provided, single submitter. Criteria: Invitae Variant Classification Sherloc (09022015). Collection method: clinical testing. Allele origin: germline.
Comment: This variant is not present in population databases (gnomAD no frequency). This variant has not been reported in the literature in individuals affected with CDH2-related conditions. In summary, the available evidence is currently insufficient to determine the role of this variant in disease. Therefore, it has been classified as a Variant of Uncertain Significance. This sequence change creates a premature translational stop signal (p.Asn62Thrfs*29) in the CDH2 gene. It is expected to result in an absent or disrupted protein product. However, the current clinical and genetic evidence is not sufficient to establish whether loss-of-function variants in CDH2 cause disease.

NM_001792.5(CDH2):c.185del (p.Asn62fs)

Gene: CDH2 (cadherin 2; minus strand). Cytogenetic location: 18q12.1.
Variant type: Deletion.
Coding change: c.185del on transcript NM_001792.5 (MANE Select); coding-DNA position 185, one base deleted (A; older notation c.185delA).
Protein change: p.Asn62fs; shifts the reading frame from asparagine 62.
Molecular consequence: frameshift variant.
Genome position (GRCh38, 1-based): chr18:28,013,897, T deleted on the plus strand (A on the coding strand, the reverse complement: CDH2 is on the minus strand); the first of 2 consecutive T bases (chr18:28,013,897-28,013,898); deleting either gives the same sequence. VCF-style (leftmost placement, unchanged base first): chr18-28013896-GT-G. GRCh37 (hg19) VCF-style: chr18-25593860-GT-G.
Other names: c.92del, p.Asn31fs (NM_001308176.2); short protein forms N31fs, N62fs.
Identifiers: ClinVar variation 2749305 (VCV002749305.3), dbSNP rs2013169058, ClinGen allele CA2292165660.